The following is an entry in ClinVar:

NM_007074.4(CORO1A):c.451+8G>A

Gene: CORO1A (coronin 1A; plus strand). Cytogenetic location: 16p11.2.
Variant type: single nucleotide variant.
Coding change: c.451+8G>A on transcript NM_007074.4 (MANE Select); 8 bases into the intron after coding-DNA position 451, G replaced by A.
Molecular consequence: intron variant.
Genome position (GRCh38, 1-based): chr16:30,186,953, G>A. VCF-style: chr16-30186953-G-A. GRCh37 (hg19) VCF-style: chr16-30198274-G-A.
Other names: c.451+8G>A (NM_001193333.3).
Identifiers: ClinVar variation 791759 (VCV000791759.14), dbSNP rs112123877, ClinGen allele CA8003119.

ClinVar aggregate classification (germline): Benign. Review status: criteria provided, multiple submitters, no conflicts (2 of 4 stars). 3 submissions from 3 submitters: Benign (2). 1 of the submissions does not count toward it. Last evaluated 2026-01-27.

Conditions:
CORO1A-related disorder. Also called: CORO1A-related condition.
Severe combined immunodeficiency due to CORO1A deficiency. Also called: IMMUNODEFICIENCY 8 WITH LYMPHOPROLIFERATION; Immunodeficiency 8. Identifiers: Orphanet 228003, MedGen C3809383, MONDO:0014168, OMIM 615401.

Allele frequency attached by ClinVar (database versions not stated): 1000 Genomes Project 30x 0.00016; 1000 Genomes Project 0.00020; ESP Exome Variant Server 0.00069; gnomAD 0.00131; TOPMed 0.00151.

Submissions (3):

Labcorp Genetics (formerly Invitae), Labcorp
Classification: Benign for Severe combined immunodeficiency due to CORO1A deficiency. Last evaluated: 2026-01-27. Review status: criteria provided, single submitter. Criteria: Invitae Variant Classification Sherloc (09022015). Collection method: clinical testing. Allele origin: germline.

Women's Health and Genetics/Laboratory Corporation of America, LabCorp
Classification: Benign. Last evaluated: 2024-04-24. Review status: criteria provided, single submitter. Criteria: LabCorp Variant Classification Summary - May 2015. Collection method: clinical testing. Allele origin: germline.
Comment: Variant summary: CORO1A c.451+8G>A alters a non-conserved nucleotide located close to a canonical splice site and therefore could affect mRNA splicing, leading to a significantly altered protein sequence. Consensus agreement among computation tools predict no significant impact on normal splicing. However, these predictions have yet to be confirmed by functional studies. The variant allele was found at a frequency of 0.00036 in 249090 control chromosomes, predominantly at a frequency of 0.0044 within the African or African-American subpopulation in the gnomAD database. The observed variant frequency within African or African-American control individuals in the gnomAD database is approximately 12.45 fold of the estimated maximal expected allele frequency for a pathogenic variant in CORO1A causing Severe Combined Immunodeficiency phenotype (0.00035), strongly suggesting that the variant is a benign polymorphism found primarily in populations of African or African-American origin. To our knowledge, no occurrence of c.451+8G>A in individuals affected with Severe Combined Immunodeficiency and no experimental evidence demonstrating its impact on protein function have been reported. ClinVar contains an entry for this variant (Variation ID: 791759). Based on the evidence outlined above, the variant was classified as benign.

PreventionGenetics, part of Exact Sciences
Classification: Likely benign for CORO1A-related condition. Last evaluated: 2024-03-12. Review status: no assertion criteria provided. Collection method: clinical testing. Allele origin: germline. Not counted in ClinVar's aggregate classification.
Comment: This variant is classified as likely benign based on ACMG/AMP sequence variant interpretation guidelines (Richards et al. 2015 PMID: 25741868, with internal and published modifications).